The following is an entry in ClinVar:

NM_006172.4(NPPA):c.134A>G (p.Asp45Gly)

Genes: NPPA (natriuretic peptide A; minus strand), NPPA-AS1 (NPPA antisense RNA 1; plus strand), LOC114827827 (VISTA enhancer hs2123; plus strand). Cytogenetic location: 1p36.22.
Variant type: single nucleotide variant.
Coding change: c.134A>G on transcript NM_006172.4 (MANE Select); coding-DNA position 134, A replaced by G.
Protein change: p.Asp45Gly; replaces aspartic acid 45 with glycine.
Molecular consequence: missense variant.
Genome position (GRCh38, 1-based): chr1:11,847,429, T>C on the plus strand (A>G on the coding strand, the complement: NPPA is on the minus strand). VCF-style: chr1-11847429-T-C. GRCh37 (hg19) VCF-style: chr1-11907486-T-C.
Other names: short protein forms D45G.
Identifiers: ClinVar variation 1362864 (VCV001362864.6), dbSNP rs760988004, ClinGen allele CA597080.

ClinVar aggregate classification (germline): Uncertain significance (1 of 4 stars; one submission).

Conditions:
Atrial fibrillation, familial, 6 (ATFB6). Identifiers: MedGen C2677294, MONDO:0012816, OMIM 612201.

Allele frequency attached by ClinVar (database versions not stated): ExAC 0.00001; gnomAD exomes 0.00001 and 0.00002; TOPMed 0.00001; gnomAD 0.00002 and 0.00003.
gnomAD v4.1: 8 of 1,613,934 alleles (0.0005%); highest among the groups gnomAD compares: Admixed American, 0.0083%; no homozygotes.

Submission:

Labcorp Genetics (formerly Invitae), Labcorp
Classification: Uncertain significance for Atrial fibrillation, familial, 6. Last evaluated: 2023-11-05. Review status: criteria provided, single submitter. Criteria: Invitae Variant Classification Sherloc (09022015). Collection method: clinical testing. Allele origin: germline.
Comment: This sequence change replaces aspartic acid, which is acidic and polar, with glycine, which is neutral and non-polar, at codon 45 of the NPPA protein (p.Asp45Gly). This variant is present in population databases (rs760988004, gnomAD 0.01%). This variant has not been reported in the literature in individuals affected with NPPA-related conditions. ClinVar contains an entry for this variant (Variation ID: 1362864). An algorithm developed to predict the effect of missense changes on protein structure and function (PolyPhen-2) suggests that this variant is likely to be disruptive. In summary, the available evidence is currently insufficient to determine the role of this variant in disease. Therefore, it has been classified as a Variant of Uncertain Significance.